The following is an entry in ClinVar:

ClinVar aggregate classification (germline): Uncertain significance (1 of 4 stars; one submission).

Conditions:
RAI1-related disorder. Also called: RAI1-related condition.

Submission:

PreventionGenetics, part of Exact Sciences
Classification: Uncertain significance for RAI1-related condition. Last evaluated: 2025-02-06. Review status: criteria provided, single submitter. Criteria: ACMG Guidelines, 2015. Collection method: clinical testing. Allele origin: germline.
Comment: The RAI1 c.3562A>G variant is predicted to result in the amino acid substitution p.Lys1188Glu. To our knowledge, this variant has not been reported in the literature or in a large population database (gnomAD), indicating this variant is rare. At this time, the clinical significance of this variant is uncertain due to the absence of conclusive functional and genetic evidence.

NM_030665.4(RAI1):c.3562A>G (p.Lys1188Glu)

Gene: RAI1 (retinoic acid induced 1; plus strand). Cytogenetic location: 17p11.2.
Variant type: single nucleotide variant.
Coding change: c.3562A>G on transcript NM_030665.4 (MANE Select); coding-DNA position 3562, A replaced by G.
Protein change: p.Lys1188Glu; replaces lysine 1188 with glutamic acid.
Molecular consequence: missense variant.
Genome position (GRCh38, 1-based): chr17:17,796,510, A>G. VCF-style: chr17-17796510-A-G. GRCh37 (hg19) VCF-style: chr17-17699824-A-G.
Other names: short protein forms K1188E.
Identifiers: ClinVar variation 5000371 (VCV005000371.1).